The following is an entry in ClinVar:

NM_000038.6(APC):c.6569G>C (p.Gly2190Ala)

Gene: APC (APC regulator of Wnt signaling pathway; plus strand). Cytogenetic location: 5q22.2.
Variant type: single nucleotide variant.
Coding change: c.6569G>C on transcript NM_000038.6 (MANE Select); coding-DNA position 6569, G replaced by C.
Protein change: p.Gly2190Ala; replaces glycine 2190 with alanine.
Molecular consequence: missense variant.
Genome position (GRCh38, 1-based): chr5:112,842,163, G>C. VCF-style: chr5-112842163-G-C. GRCh37 (hg19) VCF-style: chr5-112177860-G-C.
Other names: c.6569G>C, p.Gly2190Ala (NM_001127510.3, NM_001354895.2); c.6515G>C, p.Gly2172Ala (NM_001127511.3); c.6623G>C, p.Gly2208Ala (NM_001354896.2); c.6599G>C, p.Gly2200Ala (NM_001354897.2); c.6494G>C, p.Gly2165Ala (NM_001354898.2); c.6485G>C, p.Gly2162Ala (NM_001354899.2); c.6446G>C, p.Gly2149Ala (NM_001354900.2); c.6392G>C, p.Gly2131Ala (NM_001354901.2); and 5 more; short protein forms G2172A, G2190A, G2030A, G2099A, G2149A, G2064A, G2089A, G2200A.
Identifiers: ClinVar variation 490340 (VCV000490340.16), dbSNP rs1554087534, ClinGen allele CA16035704.
Genomic context (GRCh38, chr5:112,842,163, plus strand): 5'-CAGGGGAGAAAAGTACATTGGAAACTAAAAAGATAGAATCTGAAAGTAAAGGAATCAAAG[G>C]AGGAAAAAAAGTTTATAAAAGTTTGATTACTGGAAAAGTTCGATCTAATTCAGAAATTTC-3'
Protein context (NP_000029.2, residues 2180-2200): KIESESKGIK[Gly2190Ala]GKKVYKSLIT

ClinVar aggregate classification (germline): Uncertain significance. Review status: criteria provided, multiple submitters, no conflicts (2 of 4 stars). 3 submissions from 3 submitters: Uncertain significance (3). Last evaluated 2024-01-08.

Conditions:
Familial adenomatous polyposis 1 (FAP1). Also called: POLYPOSIS, ADENOMATOUS INTESTINAL; FAMILIAL ADENOMATOUS POLYPOSIS 1, ATTENUATED. Identifiers: MedGen C2713442, MONDO:0021056, OMIM 175100. Disease mechanism: loss of function.
Hereditary cancer-predisposing syndrome. Also called: Hereditary Cancer Syndrome; Neoplastic Syndromes, Hereditary; Tumor predisposition; Hereditary neoplastic syndrome. Identifiers: Orphanet 140162, MedGen C0027672, MeSH D009386, MONDO:0015356.

Submissions (3):

Labcorp Genetics (formerly Invitae), Labcorp
Classification: Uncertain significance for Familial adenomatous polyposis 1. Last evaluated: 2024-01-08. Review status: criteria provided, single submitter. Criteria: Invitae Variant Classification Sherloc (09022015). Collection method: clinical testing. Allele origin: germline.
Comment: This sequence change replaces glycine, which is neutral and non-polar, with alanine, which is neutral and non-polar, at codon 2190 of the APC protein (p.Gly2190Ala). This variant is not present in population databases (gnomAD no frequency). This variant has not been reported in the literature in individuals affected with APC-related conditions. ClinVar contains an entry for this variant (Variation ID: 490340). Advanced modeling of protein sequence and biophysical properties (such as structural, functional, and spatial information, amino acid conservation, physicochemical variation, residue mobility, and thermodynamic stability) performed at Invitae indicates that this missense variant is not expected to disrupt APC protein function with a negative predictive value of 95%. In summary, the available evidence is currently insufficient to determine the role of this variant in disease. Therefore, it has been classified as a Variant of Uncertain Significance.

Color Diagnostics, LLC DBA Color Health
Classification: Uncertain significance for Hereditary cancer-predisposing syndrome. Last evaluated: 2023-12-04. Review status: criteria provided, single submitter. Criteria: ACMG Guidelines, 2015. Collection method: clinical testing. Allele origin: germline.
Comment: This missense variant replaces glycine with alanine at codon 2190 of the APC protein. Computational prediction suggests that this variant may not impact protein structure and function (internally defined REVEL score threshold <= 0.5, PMID: 27666373). To our knowledge, functional studies have not been reported for this variant. This variant has not been reported in individuals affected with APC-related disorders in the literature. This variant has not been identified in the general population by the Genome Aggregation Database (gnomAD). The available evidence is insufficient to determine the role of this variant in disease conclusively. Therefore, this variant is classified as a Variant of Uncertain Significance.

Ambry Genetics
Classification: Uncertain significance for Hereditary cancer-predisposing syndrome. Last evaluated: 2020-02-27. Review status: criteria provided, single submitter. Criteria: Ambry Variant Classification Scheme 2023. Collection method: clinical testing. Allele origin: germline.
Comment: The p.G2190A variant (also known as c.6569G>C), located in coding exon 15 of the APC gene, results from a G to C substitution at nucleotide position 6569. The glycine at codon 2190 is replaced by alanine, an amino acid with similar properties. This amino acid position is highly conserved in available vertebrate species. In addition, in silico predictors for this gene do not accurately predict pathogenicity. Since supporting evidence is limited at this time, the clinical significance of this alteration remains unclear.